The following is an entry in ClinVar:

ClinVar aggregate classification (germline): Uncertain significance (1 of 4 stars; one submission).

Submission:

Labcorp Genetics (formerly Invitae), Labcorp
Classification: Uncertain significance. Last evaluated: 2025-06-08. Review status: criteria provided, single submitter. Criteria: Invitae Variant Classification Sherloc (09022015). Collection method: clinical testing. Allele origin: germline.
Comment: This sequence change replaces glutamic acid, which is acidic and polar, with alanine, which is neutral and non-polar, at codon 488 of the POLE protein (p.Glu488Ala). This variant is not present in population databases (gnomAD no frequency). This variant has not been reported in the literature in individuals affected with POLE-related conditions. Invitae Evidence Modeling of protein sequence and biophysical properties (such as structural, functional, and spatial information, amino acid conservation, physicochemical variation, residue mobility, and thermodynamic stability) indicates that this missense variant is not expected to disrupt POLE protein function with a negative predictive value of 80%. In summary, the available evidence is currently insufficient to determine the role of this variant in disease. Therefore, it has been classified as a Variant of Uncertain Significance.

NM_006231.4(POLE):c.1463A>C (p.Glu488Ala)

Gene: POLE (DNA polymerase epsilon, catalytic subunit; minus strand). Cytogenetic location: 12q24.33.
Variant type: single nucleotide variant.
Coding change: c.1463A>C on transcript NM_006231.4 (MANE Select); coding-DNA position 1463, A replaced by C.
Protein change: p.Glu488Ala; replaces glutamic acid 488 with alanine.
Molecular consequence: missense variant.
Genome position (GRCh38, 1-based): chr12:132,673,174, T>G on the plus strand (A>C on the coding strand, the complement: POLE is on the minus strand). VCF-style: chr12-132673174-T-G. GRCh37 (hg19) VCF-style: chr12-133249760-T-G.
Other names: short protein forms E488A.
Identifiers: ClinVar variation 4742119 (VCV004742119.1).